The following is an entry in ClinVar:

NM_002361.4(MAG):c.807G>C (p.Pro269=)

Gene: MAG (myelin associated glycoprotein; plus strand). Cytogenetic location: 19q13.12.
Variant type: single nucleotide variant.
Coding change: c.807G>C on transcript NM_002361.4 (MANE Select); coding-DNA position 807, G replaced by C.
Protein change: p.Pro269=; no amino-acid change (proline 269 retained).
Molecular consequence: synonymous variant.
Genome position (GRCh38, 1-based): chr19:35,300,241, G>C. VCF-style: chr19-35300241-G-C. GRCh37 (hg19) VCF-style: chr19-35791144-G-C.
Other names: c.732G>C, p.Pro244= (NM_001199216.2); c.807G>C, p.Pro269= (NM_080600.3).
Identifiers: ClinVar variation 1536886 (VCV001536886.10), dbSNP rs200687098, ClinGen allele CA307754622.
Genomic context (GRCh38, chr19:35,300,241, plus strand): 5'-GGAGGCCATCGAGGGCTCCCACGTGAGCCTGCTCTGTGGGGCTGACAGCAACCCCCCGCC[G>C]CTGCTGACCTGGATGCGGGACGGGACAGTCCTCCGGGAGGCGGTGGCCGAGAGCCTGCTC-3'
Protein context (NP_002352.1, residues 259-279): LLCGADSNPP[Pro269=]LLTWMRDGTV

ClinVar aggregate classification (germline): Likely benign. Review status: criteria provided, multiple submitters, no conflicts (2 of 4 stars). 2 submissions from 2 submitters: Likely benign (2). Last evaluated 2026-04-01.

Conditions:
Hereditary spastic paraplegia 75. Also called: Spastic paraplegia 75, autosomal recessive. Identifiers: Orphanet 459056, MedGen C4225250, MONDO:0014729, OMIM 616680.

Allele frequency attached by ClinVar (database versions not stated): gnomAD exomes below 0.00001; TOPMed 0.00001.
gnomAD v4.1: 9 of 1,588,712 alleles (0.00057%); highest among the groups gnomAD compares: Middle Eastern, 0.017%; no homozygotes.

Submissions (2):

CeGaT Center for Human Genetics Tuebingen
Classification: Likely benign. Last evaluated: 2026-04-01. Review status: criteria provided, single submitter. Criteria: CeGaT Center For Human Genetics Tuebingen Variant Classification Criteria Version 2. Collection method: clinical testing. Allele origin: germline. Affected: yes. Observed: 1 variant allele.
Comment: MAG: BP4, BP7

Labcorp Genetics (formerly Invitae), Labcorp
Classification: Likely benign for Hereditary spastic paraplegia 75. Last evaluated: 2025-11-10. Review status: criteria provided, single submitter. Criteria: Invitae Variant Classification Sherloc (09022015). Collection method: clinical testing. Allele origin: germline.